The following is an entry in ClinVar:

ClinVar aggregate classification (germline): Uncertain significance. Review status: criteria provided, multiple submitters, no conflicts (2 of 4 stars). 2 submissions from 2 submitters: Uncertain significance (2). Last evaluated 2025-08-04.

Conditions:
Xanthinuria type II. Also called: Xanthine dehydrogenase and aldehyde oxidase combined deficiency of; XDH and AOX dual deficiency. Identifiers: Orphanet 3467, Orphanet 93602, MedGen C1863688, MONDO:0011346, OMIM 603592.
Inborn genetic diseases. Identifiers: MedGen C0950123, MeSH D030342.

Allele frequency attached by ClinVar (database versions not stated): ExAC 0.00023; gnomAD exomes 0.00027 and 0.00041; 1000 Genomes Project 0.00040; TOPMed 0.00048; gnomAD 0.00052 and 0.00055; ESP Exome Variant Server 0.00054; 1000 Genomes Project 30x 0.00062.
gnomAD v4.1: 681 of 1,614,124 alleles (0.042%); highest among the groups gnomAD compares: Admixed American, 0.13%; no homozygotes.

Submissions (2):

Ambry Genetics
Classification: Uncertain significance for Inborn genetic diseases. Last evaluated: 2025-08-04. Review status: criteria provided, single submitter. Criteria: Ambry Variant Classification Scheme 2023. Collection method: clinical testing. Allele origin: germline.

Labcorp Genetics (formerly Invitae), Labcorp
Classification: Uncertain significance for Xanthinuria type II. Last evaluated: 2022-08-19. Review status: criteria provided, single submitter. Criteria: Invitae Variant Classification Sherloc (09022015). Collection method: clinical testing. Allele origin: germline.
Comment: This sequence change replaces alanine, which is neutral and non-polar, with threonine, which is neutral and polar, at codon 453 of the XDH protein (p.Ala453Thr). This variant is present in population databases (rs185036611, gnomAD 0.09%). This variant has not been reported in the literature in individuals affected with XDH-related conditions. ClinVar contains an entry for this variant (Variation ID: 944926). Algorithms developed to predict the effect of missense changes on protein structure and function (SIFT, PolyPhen-2, Align-GVGD) all suggest that this variant is likely to be tolerated. In summary, the available evidence is currently insufficient to determine the role of this variant in disease. Therefore, it has been classified as a Variant of Uncertain Significance.

NM_000379.4(XDH):c.1357G>A (p.Ala453Thr)

Gene: XDH (xanthine dehydrogenase; minus strand). Cytogenetic location: 2p23.1.
Variant type: single nucleotide variant.
Coding change: c.1357G>A on transcript NM_000379.4 (MANE Select); coding-DNA position 1357, G replaced by A.
Protein change: p.Ala453Thr; replaces alanine 453 with threonine.
Molecular consequence: missense variant.
Genome position (GRCh38, 1-based): chr2:31,377,123, C>T on the plus strand (G>A on the coding strand, the complement: XDH is on the minus strand). VCF-style: chr2-31377123-C-T. GRCh37 (hg19) VCF-style: chr2-31599989-C-T.
Other names: short protein forms A453T.
Identifiers: ClinVar variation 944926 (VCV000944926.6), dbSNP rs185036611, ClinGen allele CA1599262.